The following is an entry in ClinVar:

ClinVar aggregate classification (germline): Uncertain significance (1 of 4 stars; one submission).

Conditions:
MHC class I deficiency. Identifiers: Orphanet 34592, MedGen C6024714, MONDO:0011476.

Allele frequency attached by ClinVar (database versions not stated): gnomAD exomes below 0.00001; TOPMed below 0.00001; gnomAD 0.00001.
gnomAD v4.1: 2 of 1,613,006 alleles (0.00012%); highest among the groups gnomAD compares: Non-Finnish European, 0.00017%; no homozygotes.

Submission:

Labcorp Genetics (formerly Invitae), Labcorp
Classification: Uncertain significance for MHC class I deficiency 1. Last evaluated: 2017-12-04. Review status: criteria provided, single submitter. Criteria: Invitae Variant Classification Sherloc (09022015). Collection method: clinical testing. Allele origin: germline.
Comment: In summary, the available evidence is currently insufficient to determine the role of this variant in disease. Therefore, it has been classified as a Variant of Uncertain Significance. Algorithms developed to predict the effect of missense changes on protein structure and function do not agree on the potential impact of this missense change (SIFT: "Deleterious"; PolyPhen-2: "Possibly Damaging"; Align-GVGD: "Class C0"). This variant has not been reported in the literature in individuals with TAP2-related disease. This variant is not present in population databases (ExAC no frequency). This sequence change replaces serine with phenylalanine at codon 219 of the TAP2 protein (p.Ser219Phe). The serine residue is moderately conserved and there is a large physicochemical difference between serine and phenylalanine.

NM_001290043.2(TAP2):c.656C>T (p.Ser219Phe)

Genes: TAP2 (transporter 2, ATP binding cassette subfamily B member; minus strand), LOC107648851 (meiotic recombination hotspot TAP2; plus strand). Cytogenetic location: 6p21.32.
Variant type: single nucleotide variant.
Coding change: c.656C>T on transcript NM_001290043.2 (MANE Select); coding-DNA position 656, C replaced by T.
Protein change: p.Ser219Phe; replaces serine 219 with phenylalanine.
Molecular consequence: missense variant.
Genome position (GRCh38, 1-based): chr6:32,835,726, G>A on the plus strand (C>T on the coding strand, the complement: TAP2 is on the minus strand). VCF-style: chr6-32835726-G-A. GRCh37 (hg19) VCF-style: chr6-32803503-G-A.
Other names: c.656C>T, p.Ser219Phe (NM_000544.3, NM_018833.3); short protein forms S219F.
Identifiers: ClinVar variation 534711 (VCV000534711.9), dbSNP rs1554235670, ClinGen allele CA363585294.
Genomic context (GRCh38, chr6:32,835,726, plus strand): 5'-CCGAGGTCCTGGCGCAGCAGGGAGGAGAAAAGCTGCTCCCGGATCCGCAAGTTGATTCGA[G>A]ACATGGTGTAGGTGAAGCAGCCTCCTCGGCAGCCTGCAGACAGTGAGCTGTGGGGTAGGA-3'
Protein context (NP_001276972.1, residues 209-229): CRGGCFTYTM[Ser219Phe]RINLRIREQL